The following is an entry in ClinVar:

ClinVar aggregate classification (germline): Uncertain significance. Review status: criteria provided, multiple submitters, no conflicts (2 of 4 stars). 2 submissions from 2 submitters: Uncertain significance (2). Last evaluated 2023-12-05.

Conditions:
Hereditary cancer-predisposing syndrome. Also called: Tumor predisposition; Neoplastic Syndromes, Hereditary; Hereditary Cancer Syndrome; Hereditary neoplastic syndrome. Identifiers: Orphanet 140162, MedGen C0027672, MeSH D009386, MONDO:0015356.
Ataxia-telangiectasia syndrome (AT). Also called: ATAXIA-TELANGIECTASIA, COMPLEMENTATION GROUP A; ATAXIA-TELANGIECTASIA, FRESNO VARIANT; LOUIS-BAR SYNDROME; Ataxia telangiectasia (A-T); Cerebello-oculocutaneous telangiectasia; Immunodeficiency with ataxia telangiectasia. Identifiers: Orphanet 100, MedGen C0004135, MONDO:0008840, OMIM 208900.

Submissions (2):

Color Diagnostics, LLC DBA Color Health
Classification: Uncertain significance for Hereditary cancer-predisposing syndrome. Last evaluated: 2023-12-05. Review status: criteria provided, single submitter. Criteria: ACMG Guidelines, 2015. Collection method: clinical testing. Allele origin: germline.
Comment: This missense variant replaces tyrosine with cysteine at codon 1216 of the ATM protein. Computational prediction suggests that this variant may have deleterious impact on protein structure and function (internally defined REVEL score threshold >= 0.7, PMID: 27666373). To our knowledge, functional studies have not been reported for this variant. This variant has not been reported in individuals affected with ATM-related disorders in the literature. This variant has not been identified in the general population by the Genome Aggregation Database (gnomAD). The available evidence is insufficient to determine the role of this variant in disease conclusively. Therefore, this variant is classified as a Variant of Uncertain Significance.

Labcorp Genetics (formerly Invitae), Labcorp
Classification: Uncertain significance for Ataxia-telangiectasia syndrome. Last evaluated: 2022-01-19. Review status: criteria provided, single submitter. Criteria: Invitae Variant Classification Sherloc (09022015). Collection method: clinical testing. Allele origin: germline.
Comment: This sequence change replaces tyrosine, which is neutral and polar, with cysteine, which is neutral and slightly polar, at codon 1216 of the ATM protein (p.Tyr1216Cys). This variant is not present in population databases (gnomAD no frequency). This variant has not been reported in the literature in individuals affected with ATM-related conditions. ClinVar contains an entry for this variant (Variation ID: 628143). Advanced modeling of protein sequence and biophysical properties (such as structural, functional, and spatial information, amino acid conservation, physicochemical variation, residue mobility, and thermodynamic stability) performed at Invitae indicates that this missense variant is not expected to disrupt ATM protein function. In summary, the available evidence is currently insufficient to determine the role of this variant in disease. Therefore, it has been classified as a Variant of Uncertain Significance.

NM_000051.4(ATM):c.3647A>G (p.Tyr1216Cys)

Gene: ATM (ATM serine/threonine kinase; plus strand). Cytogenetic location: 11q22.3.
Variant type: single nucleotide variant.
Coding change: c.3647A>G on transcript NM_000051.4 (MANE Select); coding-DNA position 3647, A replaced by G.
Protein change: p.Tyr1216Cys; replaces tyrosine 1216 with cysteine.
Molecular consequence: missense variant.
Genome position (GRCh38, 1-based): chr11:108,282,780, A>G. VCF-style: chr11-108282780-A-G. GRCh37 (hg19) VCF-style: chr11-108153507-A-G.
Other names: c.3647A>G, p.Tyr1216Cys (NM_001351834.2); short protein forms Y1216C.
Identifiers: ClinVar variation 628143 (VCV000628143.12), dbSNP rs1565444784, ClinGen allele CA382522957.
Genomic context (GRCh38, chr11:108,282,780, plus strand): 5'-AAGTTTCTGAAACTTTTGGATATAGACGTTTAGAAGACTTTATGGCATCTCATTTAGATT[A>G]TCTGGTTTTGGAATGGCTAAATCTTCAAGATACTGAATACAACTTATCTTCTTTTCCTTT-3'
Protein context (NP_000042.3, residues 1206-1226): LEDFMASHLD[Tyr1216Cys]LVLEWLNLQD